The following is an entry in ClinVar:

ClinVar aggregate classification (germline): Uncertain significance. Review status: criteria provided, multiple submitters, no conflicts (2 of 4 stars). 2 submissions from 2 submitters: Uncertain significance (2). Last evaluated 2025-06-05.

Conditions:
Hereditary cancer-predisposing syndrome. Also called: Tumor predisposition; Hereditary neoplastic syndrome; Hereditary Cancer Syndrome; Neoplastic Syndromes, Hereditary. Identifiers: Orphanet 140162, MedGen C0027672, MeSH D009386, MONDO:0015356.
Familial cancer of breast. Also called: BREAST CANCER, FAMILIAL; Hereditary breast cancer; hereditary breast carcinoma. Identifiers: Orphanet 227535, MedGen C0346153, MONDO:0016419, OMIM 114480. Disease mechanism: loss of function.

gnomAD v4.1: 1 of 1,614,102 alleles (0.000062%); highest among the groups gnomAD compares: South Asian, 0.0011%; no homozygotes.

Submissions (2):

Ambry Genetics
Classification: Uncertain significance for Hereditary cancer-predisposing syndrome. Last evaluated: 2025-06-05. Review status: criteria provided, single submitter. Criteria: Ambry Variant Classification Scheme 2023. Collection method: clinical testing. Allele origin: germline.
Comment: The p.W114C variant (also known as c.342G>C), located in coding exon 2 of the CHEK2 gene, results from a G to C substitution at nucleotide position 342. The tryptophan at codon 114 is replaced by cysteine, an amino acid with highly dissimilar properties. In an assay testing CHEK2 function, this variant showed a functionally normal result (Stolarova et al., 2023). This amino acid position is well conserved in available vertebrate species. In addition, this alteration is predicted to be deleterious by in silico analysis. Based on the available evidence, the clinical significance of this variant remains unclear.

Labcorp Genetics (formerly Invitae), Labcorp
Classification: Uncertain significance for Familial cancer of breast. Last evaluated: 2025-04-28. Review status: criteria provided, single submitter. Criteria: Invitae Variant Classification Sherloc (09022015). Collection method: clinical testing. Allele origin: germline.
Comment: This sequence change replaces tryptophan, which is neutral and slightly polar, with cysteine, which is neutral and slightly polar, at codon 114 of the CHEK2 protein (p.Trp114Cys). This variant is not present in population databases (gnomAD no frequency). This variant has not been reported in the literature in individuals affected with CHEK2-related conditions. ClinVar contains an entry for this variant (Variation ID: 961177). An algorithm developed to predict the effect of missense changes on protein structure and function (PolyPhen-2) suggests that this variant is likely to be disruptive. In summary, the available evidence is currently insufficient to determine the role of this variant in disease. Therefore, it has been classified as a Variant of Uncertain Significance.

NM_007194.4(CHEK2):c.342G>C (p.Trp114Cys)

Gene: CHEK2 (checkpoint kinase 2; minus strand). Cytogenetic location: 22q12.1.
Variant type: single nucleotide variant.
Coding change: c.342G>C on transcript NM_007194.4 (MANE Select); coding-DNA position 342, G replaced by C.
Protein change: p.Trp114Cys; replaces tryptophan 114 with cysteine.
Molecular consequence: missense variant.
Genome position (GRCh38, 1-based): chr22:28,725,345, C>G on the plus strand (G>C on the coding strand, the complement: CHEK2 is on the minus strand). VCF-style: chr22-28725345-C-G. GRCh37 (hg19) VCF-style: chr22-29121333-C-G.
Other names: c.471G>C, p.Trp157Cys (NM_001005735.3); c.-436G>C (NM_001257387.3); c.342G>C, p.Trp114Cys (NM_001349956.3, NM_145862.3); short protein forms W114C, W157C.
Identifiers: ClinVar variation 961177 (VCV000961177.11), dbSNP rs756949505, ClinGen allele CA411108218.